The following is an entry in ClinVar:

NM_001142864.4(PIEZO1):c.3625C>G (p.Arg1209Gly)

Gene: PIEZO1 (piezo type mechanosensitive ion channel component 1 (Er blood group); minus strand). Cytogenetic location: 16q24.3.
Variant type: single nucleotide variant.
Coding change: c.3625C>G on transcript NM_001142864.4 (MANE Select); coding-DNA position 3625, C replaced by G.
Protein change: p.Arg1209Gly; replaces arginine 1209 with glycine.
Molecular consequence: missense variant.
Genome position (GRCh38, 1-based): chr16:88,726,789, G>C on the plus strand (C>G on the coding strand, the complement: PIEZO1 is on the minus strand). VCF-style: chr16-88726789-G-C. GRCh37 (hg19) VCF-style: chr16-88793197-G-C.
Other names: p.Arg1209Gly; short protein forms R1209G.
Identifiers: ClinVar variation 4079612 (VCV004079612.3).
Genomic context (GRCh38, chr16:88,726,789, plus strand): 5'-TGGAGATGATGACGGTGACGTTGTACAGAATGAGGCAGTCCCACAGCACGAGGCGGGCCC[G>C]TGTGTCCCTCTGCAGCAGGGCCGTGCCGAAGAGCAGCAGGTAGAAGCAGGCCAGCAGGTA-3'
Protein context (NP_001136336.2, residues 1199-1219): FGTALLQRDT[Arg1209Gly]ARLVLWDCLI

ClinVar aggregate classification (germline): Uncertain significance. Review status: criteria provided, multiple submitters, no conflicts (2 of 4 stars). 3 submissions from 3 submitters: Uncertain significance (3). Last evaluated 2025-03-27.

gnomAD v4.1: 6 of 1,550,140 alleles (0.00039%); highest among the groups gnomAD compares: Non-Finnish European, 0.00052%; no homozygotes.

Submissions (3):

ARUP Laboratories, Molecular Genetics and Genomics, ARUP Laboratories
Classification: Uncertain significance. Last evaluated: 2025-03-27. Review status: criteria provided, single submitter. Criteria: ARUP Molecular Germline Variant Investigation Process 2024. Collection method: clinical testing. Allele origin: germline.
Comment: The PIEZO1 c.3625C>G; p.Arg1209Gly variant (rs750479923), to our knowledge, is not reported in the medical literature or gene specific databases. This variant is only observed on one allele in the Genome Aggregation Database (v2.1.1), indicating it is not a common polymorphism. Computational analyses predict that this variant is neutral (REVEL: 0.075). Due to limited information, the clinical significance of this variant is uncertain at this time.

Mayo Clinic Laboratories, Mayo Clinic
Classification: Uncertain significance. Last evaluated: 2025-02-04. Review status: criteria provided, single submitter. Criteria: ACMG Guidelines, 2015. Collection method: clinical testing. Allele origin: germline. Observed: 1 variant allele.
Comment: BP4_moderate, PM2_supporting

Revvity Omics, Revvity
Classification: Uncertain significance. Last evaluated: 2024-12-21. Review status: criteria provided, single submitter. Criteria: ACMG Guidelines, 2015. Collection method: clinical testing. Allele origin: germline.